The following is an entry in ClinVar:

ClinVar aggregate classification (germline): Pathogenic/Likely pathogenic. Review status: criteria provided, multiple submitters, no conflicts (2 of 4 stars). 10 submissions from 10 submitters: Pathogenic (1); Likely pathogenic (7). 2 of the submissions do not count toward it. Last evaluated 2026-09-09.

Conditions:
Fanconi anemia complementation group O. Also called: RAD51C-Related Fanconi Anemia. Identifiers: Orphanet 84, MedGen C3150653, MONDO:0013248, OMIM 613390.
Breast-ovarian cancer, familial, susceptibility to, 3. Also called: RAD51C-Related Breast/Ovarian Cancer. Identifiers: Orphanet 145, MedGen C3150659, MONDO:0013253, OMIM 613399.
Hereditary cancer-predisposing syndrome. Also called: Hereditary neoplastic syndrome; Neoplastic Syndromes, Hereditary; Tumor predisposition; Hereditary Cancer Syndrome. Identifiers: Orphanet 140162, MedGen C0027672, MeSH D009386, MONDO:0015356.
RAD51C-related disorder. Also called: RAD51C-related condition; RAD51C-related disorders.
Malignant tumor of breast. Also called: Cancer breast; Malignant breast neoplasm. Identifiers: MedGen C0006142, MONDO:0007254. Disease mechanism: loss of function.
Breast and/or ovarian cancer. Identifiers: MedGen CN221562.

Allele frequency attached by ClinVar (database versions not stated): TOPMed 0.00001.

Submissions (10):

PreventionGenetics, part of Exact Sciences
Classification: Likely pathogenic for RAD51C-related disorder. Last evaluated: 2026-09-09. Review status: criteria provided, single submitter. Criteria: ACMG Guidelines, 2015. Collection method: clinical testing. Allele origin: germline.
Comment: This variant occurs at the last nucleotide of exon 4 and has been reported in individuals with ovarian cancer (Table S1, Boni et al. 2022. PubMed ID: 34923718; Alenezi et al. 2022. PubMed ID: 35565380) and in breast cancer cases and controls (Supplemental Data, Dorling et al. 2021. PubMed ID: 33471991). Experimental studies indicate this variant leads to skipping of exon 4 (Sanoguera-Miralles et al. 2020. PubMed ID: 33333735; Alenezi et al. 2022. PubMed ID: 35565380). This variant is reported in 0.00088% of alleles in individuals of European (non-Finnish) descent in gnomAD. In ClinVar, this variant has conflicting interpretations ranging from uncertain to pathogenic (Variation ID: 216807). This variant is interpreted as likely pathogenic.

Labcorp Genetics (formerly Invitae), Labcorp
Classification: Likely pathogenic for Fanconi anemia complementation group O. Last evaluated: 2026-01-05. Review status: criteria provided, single submitter. Criteria: Invitae Variant Classification Sherloc (09022015). Collection method: clinical testing. Allele origin: germline.
Comment: This sequence change replaces lysine, which is basic and polar, with asparagine, which is neutral and polar, at codon 235 of the RAD51C protein (p.Lys235Asn). RNA analysis indicates that this missense change induces altered splicing and may result in an absent or altered protein product. This variant is present in population databases (no rsID available, gnomAD 0.0009%). This variant has not been reported in the literature in individuals affected with RAD51C-related conditions. ClinVar contains an entry for this variant (Variation ID: 216807). An algorithm developed to predict the effect of missense changes on protein structure and function (PolyPhen-2) suggests that this variant is likely to be tolerated. Experimental studies have shown that this missense change does not substantially affect RAD51C function (PMID: 37253112). Variants that disrupt the consensus splice site are a relatively common cause of aberrant splicing (PMID: 17576681, 9536098). Studies have shown that this missense change alters mRNA splicing and is expected to lead to the loss of protein expression (PMID: 33333735; internal data). In summary, the currently available evidence indicates that the variant is pathogenic, but additional data are needed to prove that conclusively. Therefore, this variant has been classified as Likely Pathogenic.

Quest Diagnostics Nichols Institute San Juan Capistrano
Classification: Likely pathogenic. Last evaluated: 2025-10-20. Review status: criteria provided, single submitter. Criteria: Quest Diagnostics criteria. Collection method: clinical testing. Allele origin: unknown.
Comment: The RAD51C c.705C>T (p.Lys235Asn)variant has been reported in the published literature in individuals with ovarian cancer (PMIDs: 35565380 (2022), 34923718 (2022)) and breast cancer (PMID: 33471991 (2021), see also LOVD). Studies assessing the variant's impact on RNA demonstrate this variant is damaging to splicing, leading to the skipping of exon 4 and premature termination of the RAD51C protein (PMIDs: 37253112 (2023), 35740625 (2022), 35565380 (2022), and 33333735 (2020)). The frequency of the variant in the general population, 0.000004 (1/251038 chromosomes (Genome Aggregation Database)), is consistent with pathogenicity. Analysis of this variant using software algorithms for the prediction of the effect of nucleotide changes on splicing yielded predictions that this variant may affect proper RAD51C mRNA splicing. Based on the available information, this variant is classified as likely pathogenic.

Ambry Genetics
Classification: Likely pathogenic for Hereditary cancer-predisposing syndrome. Last evaluated: 2025-05-25. Review status: criteria provided, single submitter. Criteria: Ambry Variant Classification Scheme 2023. Collection method: clinical testing. Allele origin: germline.
Comment: The c.705G>T variant (also known as p.K235N), located in coding exon 4 of the RAD51C gene, results from a G to T substitution at nucleotide position 705. The amino acid change results in lysine to asparagine at codon 235, an amino acid with similar properties. However, this change occurs in the last base pair of coding exon 4, which makes it likely to have some effect on normal mRNA splicing. This variant was reported in 1/60,466 breast cancer cases and in 1/53,461 controls (Dorling et al. N Engl J Med. 2021 02;384:428-439). This alteration was also reported in multiple individuals with a personal history of ovarian cancer in the French Canadian population (Alenezi WM et al. Cancers (Basel), 2022 Apr;14). RNA studies from lymphoblastoid cell lines (LCLs) from the carrier of this alteration showed absence of the entire exon 4 (Alenezi WM et al. Cancers (Basel), 2022 Apr;14). In another RNA study, this variant was associated with exon 4 skipping (Sanoguera-Miralles L et al. Cancers (Basel), 2020 Dec;12). In silico splice site analysis predicts that this alteration will weaken the native splice donor site. RNA studies have demonstrated that this alteration results in abnormal splicing in the set of samples tested (Ambry internal data). This variant is considered to be rare based on population cohorts in the Genome Aggregation Database (gnomAD). Based on the majority of available evidence to date, this variant is likely to be pathogenic.

Color Diagnostics, LLC DBA Color Health
Classification: Pathogenic for Hereditary cancer-predisposing syndrome. Last evaluated: 2024-05-22. Review status: criteria provided, single submitter. Criteria: ACMG Guidelines, 2015. Collection method: clinical testing. Allele origin: germline.
Comment: This variant changes the last nucleotide c.G of exon 4 of the RAD51C gene. RNA studies conducted in carrier-derived lymphoblastoid cell lines and minigene assays have shown that this variant causes out-of-frame skipping of exon 4 (PMID: 33333735). This variant is expected to result in an absent or non-functional protein product. This variant has been reported in at least four individuals affected with ovarian cancer (PMID: 35565380). In an international breast cancer case-control meta-analysis, this variant was detected in 1/60466 cases and 1/53461 unaffected controls (PMID: 33471991). This variant has been identified in 1/251038 chromosomes in the general population by the Genome Aggregation Database (gnomAD). Loss of RAD51C function is a known mechanism of disease. Based on the available evidence, this variant is classified as Pathogenic.

Myriad Genetics, Inc.
Classification: Likely pathogenic for Breast-ovarian cancer, familial, susceptibility to, 3. Last evaluated: 2024-01-03. Review status: criteria provided, single submitter. Criteria: Myriad Autosomal Dominant, Autosomal Recessive and X-Linked Classification Criteria (2023). Collection method: clinical testing. Allele origin: unknown.
Comment: This variant is considered likely pathogenic. mRNA analysis has demonstrated abnormal mRNA splicing occurs [Myriad internal data].

CHEO Genetics Diagnostic Laboratory, Children's Hospital of Eastern Ontario
Classification: Likely pathogenic for Breast and/or ovarian cancer. Last evaluated: 2022-08-09. Review status: criteria provided, single submitter. Criteria: ACMG Guidelines, 2015. Collection method: clinical testing. Allele origin: germline.

GeneDx
Classification: Likely pathogenic. Last evaluated: 2022-02-14. Review status: criteria provided, single submitter. Criteria: GeneDx Variant Classification Process June 2021. Collection method: clinical testing. Allele origin: germline. Affected: yes.
Comment: Variant at the last nucleotide of the exon predicted by in silicos and demonstrated by functional data to result in protein truncation or nonsense mediated decay in a gene for which loss-of-function is a known mechanism of disease (Sanoguera-Miralles 2020); Identified in patients with a personal and/or family history consistent with pathogenic variants in this gene referred for genetic testing at GeneDx; Not observed at significant frequency in large population cohorts (gnomAD); This variant is associated with the following publications: (PMID: 34923718, 14704354, 33333735)

Fulgent Genetics
Classification: Uncertain significance for Fanconi anemia complementation group O; Breast-ovarian cancer, familial, susceptibility to, 3. Last evaluated: 2018-10-31. Review status: flagged submission. Criteria: ACMG Guidelines, 2015. Collection method: clinical testing. Allele origin: unknown. Not counted in ClinVar's aggregate classification.
ClinVar note: Reason: Older claim that does not account for recent evidence

Department of Pathology and Laboratory Medicine, Sinai Health System
Classification: Uncertain significance for Malignant tumor of breast. Review status: flagged submission. Collection method: clinical testing. Allele origin: unknown. Affected: yes. Observed: 1 variant allele. Study: The Canadian Open Genetics Repository (COGR). Not counted in ClinVar's aggregate classification.
Comment: The RAD51C p.Lys235Asn variant was not identified in the literature nor was it identified in the Cosmic, MutDB, LOVD 3.0, databases. The variant was identified in dbSNP (ID: rs755849719) as â€šÃ„ÃºWith Uncertain significance alleleâ€šÃ„Ã¹, and in ClinVar (2x as uncertain significance by Invitae and Ambry Genetics). The variant was identified in control databases in 1 of 245846 chromosomes at a frequency of 0.000004 (Genome Aggregation Database Feb 27, 2017). The variant was identified in the European Non-Finnish population in 1 of 111564 chromosomes (freq: 0.000009), while the variant was not observed in the African, Other, Latino, Ashkenazi Jewish, East Asian, Finnish, and South Asian populations. The p.Lys235 residue is conserved in mammals but not in more distantly related organisms however four out of five computational analyses (PolyPhen-2, SIFT, AlignGVGD, BLOSUM, MutationTaster) do not suggest a high likelihood of impact to the protein; this information is not predictive enough to rule out pathogenicity. The p.Lys235Asn variant occurs in the last three bases of the exon. This position has been shown to be part of the splicing consensus sequence and variants involving this position sometimes affect splicing. In addition, 5 of 5 in silico or computational prediction software programs (SpliceSiteFinder, MaxEntScan, NNSPLICE, GeneSplicer, HumanSpliceFinder) predict a greater than 10% difference in splicing. In summary, based on the above information the clinical significance of this variant cannot be determined with certainty at this time. This variant is classified as a variant of uncertain significance.
ClinVar note: Reason: Outlier claim with insufficient supporting evidence

Literature cited by the submitters: PubMed 34923718 (cited by PreventionGenetics, part of Exact Sciences and Quest Diagnostics Nichols Institute San Juan Capistrano); PubMed 35565380 (cited by 4 submitters); PubMed 33471991 (cited by 4 submitters); PubMed 33333735 (cited by 5 submitters); PubMed 37253112 (cited by Labcorp Genetics (formerly Invitae), Labcorp and Quest Diagnostics Nichols Institute San Juan Capistrano); PubMed 17576681 (cited by Labcorp Genetics (formerly Invitae), Labcorp); PubMed 9536098 (cited by Labcorp Genetics (formerly Invitae), Labcorp); PubMed 35740625 (cited by Quest Diagnostics Nichols Institute San Juan Capistrano); PubMed 36969007 (cited by Quest Diagnostics Nichols Institute San Juan Capistrano).

NM_058216.3(RAD51C):c.705G>T (p.Lys235Asn)

Genes: RAD51C (RAD51 paralog C; plus strand), LOC129390903 (MPRA-validated peak2919 silencer; plus strand). Cytogenetic location: 17q22.
Variant type: single nucleotide variant.
Coding change: c.705G>T on transcript NM_058216.3 (MANE Select); coding-DNA position 705, G replaced by T.
Protein change: p.Lys235Asn; replaces lysine 235 with asparagine.
Molecular consequence: missense variant. On other transcripts: non-coding transcript variant (1).
Genome position (GRCh38, 1-based): chr17:58,703,329, G>T. VCF-style: chr17-58703329-G-T. GRCh37 (hg19) VCF-style: chr17-56780690-G-T.
Other names: short protein forms K235N.
Identifiers: ClinVar variation 216807 (VCV000216807.31), dbSNP rs755849719, ClinGen allele CA338966.
Genomic context (GRCh38, chr17:58,703,329, plus strand): 5'-CTACACAGAGTTACTGGCACAAGTTTATCTTCTTCCAGATTTCCTTTCAGAACACTCAAA[G>T]GTATGAGTCAGACTACTGAAATGTAACTAACCAAGTATTTTTTGAGGTGTTTGATAAGCA-3'
Protein context (NP_478123.1, residues 225-245): LLPDFLSEHS[Lys235Asn]VRLVIVDGIA